The following is an entry in ClinVar:

NM_001083111.2(GNRH1):c.91C>T (p.Arg31Cys)

Gene: GNRH1 (gonadotropin releasing hormone 1; minus strand). Cytogenetic location: 8p21.2.
Variant type: single nucleotide variant.
Coding change: c.91C>T on transcript NM_001083111.2 (MANE Select); coding-DNA position 91, C replaced by T.
Protein change: p.Arg31Cys; replaces arginine 31 with cysteine.
Molecular consequence: missense variant.
Genome position (GRCh38, 1-based): chr8:25,423,240, G>A on the plus strand (C>T on the coding strand, the complement: GNRH1 is on the minus strand). VCF-style: chr8-25423240-G-A. GRCh37 (hg19) VCF-style: chr8-25280756-G-A.
Other names: c.103C>T, p.Arg35Cys (NM_000825.3); short protein forms R31C, R35C.
Identifiers: ClinVar variation 2735146 (VCV002735146.4), dbSNP rs2486975242, ClinGen allele CA370774104.

ClinVar aggregate classification (germline): Conflicting classifications of pathogenicity. Review status: criteria provided, conflicting classifications (1 of 4 stars). 2 submissions from 2 submitters: Pathogenic (1); Uncertain significance (1). Last evaluated 2025-06-05.

Conditions:
Hypogonadotropic hypogonadism. Also called: Hypogonadotrophic hypogonadism; Isolated hypogonadotropic hypogonadism; Hypogonadotropic hypogonadism with or without anosmia; Low gonadotropins (secondary hypogonadism). Identifiers: Orphanet 432, MedGen C0271623, MONDO:0018555, HP:0000044.

Allele frequency attached by ClinVar (database versions not stated): gnomAD exomes below 0.00001.
gnomAD v4.1: 1 of 1,611,664 alleles (0.000062%); highest among the groups gnomAD compares: Non-Finnish European, 0.000085%; no homozygotes.

Submissions (2):

NHS Central & South Genomic Laboratory Hub
Classification: Uncertain significance for Hypogonadotropic hypogonadism. Last evaluated: 2025-06-05. Review status: criteria provided, single submitter. Criteria: ACMG Guidelines, 2015. Collection method: clinical testing. Allele origin: germline. Affected: yes.

Labcorp Genetics (formerly Invitae), Labcorp
Classification: Pathogenic. Last evaluated: 2023-05-20. Review status: criteria provided, single submitter. Criteria: Invitae Variant Classification Sherloc (09022015). Collection method: clinical testing. Allele origin: germline.
Comment: This missense change has been observed in individual(s) with clinical features of autosomal dominant idiopathic hypogonadotropic hypogonadism (PMID: 19567835, 22035731, 23936060; Invitae). In at least one individual the variant was observed to be de novo. It has also been observed to segregate with disease in related individuals. This variant is not present in population databases (gnomAD no frequency). This sequence change replaces arginine, which is basic and polar, with cysteine, which is neutral and slightly polar, at codon 35 of the GNRH1 protein (p.Arg35Cys). This variant is also known as R31C. For these reasons, this variant has been classified as Pathogenic. Experimental studies and prediction algorithms are not available or were not evaluated, and the functional significance of this variant is currently unknown.

Literature cited by the submitters: PubMed 19567835 (cited by Labcorp Genetics (formerly Invitae), Labcorp); PubMed 22035731 (cited by Labcorp Genetics (formerly Invitae), Labcorp); PubMed 23936060 (cited by Labcorp Genetics (formerly Invitae), Labcorp).